The following is an entry in ClinVar:

ClinVar aggregate classification (germline): Conflicting classifications of pathogenicity. Review status: criteria provided, conflicting classifications (1 of 4 stars). 2 submissions from 2 submitters: Uncertain significance (1); Likely benign (1). Last evaluated 2025-07-07.

Conditions:
Nephronophthisis. Also called: Juvenile Nephronophthisis. Identifiers: Orphanet 655, MedGen C0687120, MONDO:0019005, HP:0000090.
Inborn genetic diseases. Identifiers: MedGen C0950123, MeSH D030342.

Allele frequency attached by ClinVar (database versions not stated): TOPMed 0.00001.
gnomAD v4.1: 14 of 1,536,170 alleles (0.00091%); highest among the groups gnomAD compares: African/African-American, 0.0027%; no homozygotes.

Submissions (2):

Labcorp Genetics (formerly Invitae), Labcorp
Classification: Uncertain significance for Nephronophthisis. Last evaluated: 2025-07-07. Review status: criteria provided, single submitter. Criteria: Invitae Variant Classification Sherloc (09022015). Collection method: clinical testing. Allele origin: germline.
Comment: This sequence change replaces proline, which is neutral and non-polar, with leucine, which is neutral and non-polar, at codon 534 of the NPHP4 protein (p.Pro534Leu). The frequency data for this variant in the population databases is considered unreliable, as metrics indicate poor data quality at this position in the gnomAD database. This variant has not been reported in the literature in individuals affected with NPHP4-related conditions. ClinVar contains an entry for this variant (Variation ID: 1987694). Invitae Evidence Modeling of protein sequence and biophysical properties (such as structural, functional, and spatial information, amino acid conservation, physicochemical variation, residue mobility, and thermodynamic stability) indicates that this missense variant is not expected to disrupt NPHP4 protein function with a negative predictive value of 80%. In summary, the available evidence is currently insufficient to determine the role of this variant in disease. Therefore, it has been classified as a Variant of Uncertain Significance.

Ambry Genetics
Classification: Likely benign for Inborn genetic diseases. Last evaluated: 2023-12-15. Review status: criteria provided, single submitter. Criteria: Ambry Variant Classification Scheme 2023. Collection method: clinical testing. Allele origin: germline.

NM_015102.5(NPHP4):c.1601C>T (p.Pro534Leu)

Gene: NPHP4 (nephrocystin 4; minus strand). Cytogenetic location: 1p36.31.
Variant type: single nucleotide variant.
Coding change: c.1601C>T on transcript NM_015102.5 (MANE Select); coding-DNA position 1601, C replaced by T.
Protein change: p.Pro534Leu; replaces proline 534 with leucine.
Molecular consequence: missense variant. On other transcripts: non-coding transcript variant (1), intron variant (2).
Genome position (GRCh38, 1-based): chr1:5,907,125, G>A on the plus strand (C>T on the coding strand, the complement: NPHP4 is on the minus strand). VCF-style: chr1-5907125-G-A. GRCh37 (hg19) VCF-style: chr1-5967185-G-A.
Other names: c.1601C>T (NM_015102.3); c.76-1342C>T (NM_001291594.2); c.76-1345C>T (NM_001291593.2); short protein forms P534L.
Identifiers: ClinVar variation 1987694 (VCV001987694.5), dbSNP rs774461392, ClinGen allele CA17125470.